The following is an entry in ClinVar:

ClinVar aggregate classification (germline): Likely benign (1 of 4 stars; one submission).

Allele frequency attached by ClinVar (database versions not stated): 1000 Genomes Project 30x 0.00796; 1000 Genomes Project 0.00819; TOPMed 0.01288; gnomAD 0.01347 and 0.01358.
gnomAD v4.1: 29,258 of 1,390,220 alleles (2.1%); highest among the groups gnomAD compares: Non-Finnish European, 2.5%; 377 homozygotes.

Submission:

GeneDx
Classification: Likely benign. Last evaluated: 2018-06-16. Review status: criteria provided, single submitter. Criteria: GeneDx Variant Classification (06012015). Collection method: clinical testing. Allele origin: germline. Affected: yes.
Comment: This variant is considered likely benign or benign based on one or more of the following criteria: it is a conservative change, it occurs at a poorly conserved position in the protein, it is predicted to be benign by multiple in silico algorithms, and/or has population frequency not consistent with disease.

NM_004522.3(KIF5C):c.2767+143C>T

Gene: KIF5C (kinesin family member 5C; plus strand). Cytogenetic location: 2q23.2.
Variant type: single nucleotide variant.
Coding change: c.2767+143C>T on transcript NM_004522.3 (MANE Select); 143 bases into the intron after coding-DNA position 2767, C replaced by T.
Molecular consequence: intron variant.
Genome position (GRCh38, 1-based): chr2:149,010,494, C>T. VCF-style: chr2-149010494-C-T. GRCh37 (hg19) VCF-style: chr2-149867008-C-T.
Identifiers: ClinVar variation 682881 (VCV000682881.1), dbSNP rs137988670, ClinGen allele CA11033204.